The following is an entry in ClinVar:

ClinVar aggregate classification (germline): Benign. Review status: criteria provided, multiple submitters, no conflicts (2 of 4 stars). 3 submissions from 3 submitters: Benign (2). 1 of the submissions does not count toward it. Last evaluated 2026-02-02.

Conditions:
FBN3-related disorder. Also called: FBN3-related condition.

Allele frequency attached by ClinVar (database versions not stated): TOPMed 0.05124; gnomAD exomes 0.01317 and 0.00457; ESP Exome Variant Server 0.05113; gnomAD 0.04604 and 0.04923; ExAC 0.01587; 1000 Genomes Project 0.05112; 1000 Genomes Project 30x 0.05356.
gnomAD v4.1: 13,780 of 1,582,468 alleles (0.87%); highest among the groups gnomAD compares: African/African-American, 16%; 966 homozygotes.

Submissions (3):

Labcorp Genetics (formerly Invitae), Labcorp
Classification: Benign. Last evaluated: 2026-02-02. Review status: criteria provided, single submitter. Criteria: Invitae Variant Classification Sherloc (09022015). Collection method: clinical testing. Allele origin: germline.

Breakthrough Genomics
Classification: Benign. Review status: criteria provided, single submitter. Criteria: ACMG Guidelines, 2015. Collection method: not provided. Allele origin: germline. Inheritance: Unknown mechanism. Affected: yes.

PreventionGenetics, part of Exact Sciences
Classification: Benign for FBN3-related condition. Last evaluated: 2019-09-30. Review status: no assertion criteria provided. Collection method: clinical testing. Allele origin: germline. Not counted in ClinVar's aggregate classification.
Comment: This variant is classified as benign based on ACMG/AMP sequence variant interpretation guidelines (Richards et al. 2015 PMID: 25741868, with internal and published modifications).

NM_032447.5(FBN3):c.7968C>T (p.Pro2656=)

Gene: FBN3 (fibrillin 3; minus strand). Cytogenetic location: 19p13.2.
Variant type: single nucleotide variant.
Coding change: c.7968C>T on transcript NM_032447.5 (MANE Select); coding-DNA position 7968, C replaced by T.
Protein change: p.Pro2656=; no amino-acid change (proline 2656 retained).
Molecular consequence: synonymous variant.
Genome position (GRCh38, 1-based): chr19:8,072,168, G>A on the plus strand (C>T on the coding strand, the complement: FBN3 is on the minus strand). VCF-style: chr19-8072168-G-A. GRCh37 (hg19) VCF-style: chr19-8137052-G-A.
Other names: c.7968C>T (NM_001321431.1); c.7968C>T, p.Pro2656= (NM_001321431.2).
Identifiers: ClinVar variation 1601144 (VCV001601144.11), dbSNP rs10420783, ClinGen allele CA9150667.